The following is an entry in ClinVar:

NM_014915.3(ANKRD26):c.3686C>T (p.Ala1229Val)

Gene: ANKRD26 (ankyrin repeat domain 26; minus strand). Cytogenetic location: 10p12.1.
Variant type: single nucleotide variant.
Coding change: c.3686C>T on transcript NM_014915.3 (MANE Select); coding-DNA position 3686, C replaced by T.
Protein change: p.Ala1229Val; replaces alanine 1229 with valine.
Molecular consequence: missense variant.
Genome position (GRCh38, 1-based): chr10:27,033,346, G>A on the plus strand (C>T on the coding strand, the complement: ANKRD26 is on the minus strand). VCF-style: chr10-27033346-G-A. GRCh37 (hg19) VCF-style: chr10-27322275-G-A.
Other names: c.3683C>T, p.Ala1228Val (NM_001256053.2); short protein forms A1229V, A1228V.
Identifiers: ClinVar variation 930454 (VCV000930454.11), dbSNP rs1386447841, ClinGen allele CA376361181.

ClinVar aggregate classification (germline): Uncertain significance. Review status: criteria provided, multiple submitters, no conflicts (2 of 4 stars). 4 submissions from 4 submitters: Uncertain significance (4). Last evaluated 2025-02-08.

Conditions:
Thrombocytopenia 2 (THC2). Also called: ANKRD26-Related Thrombocytopenia. Identifiers: Orphanet 268322, MedGen C1861185, MONDO:0008555, OMIM 188000.
Inborn genetic diseases. Identifiers: MedGen C0950123, MeSH D030342.

Allele frequency attached by ClinVar (database versions not stated): gnomAD exomes below 0.00001.
gnomAD v4.1: 2 of 1,610,410 alleles (0.00012%); highest among the groups gnomAD compares: South Asian, 0.0011%; no homozygotes.

Submissions (4):

Ambry Genetics
Classification: Uncertain significance for Inborn genetic diseases. Last evaluated: 2025-02-08. Review status: criteria provided, single submitter. Criteria: Ambry Variant Classification Scheme 2023. Collection method: clinical testing. Allele origin: germline.
Comment: The p.A1229V variant (also known as c.3686C>T), located in coding exon 25 of the ANKRD26 gene, results from a C to T substitution at nucleotide position 3686. The alanine at codon 1229 is replaced by valine, an amino acid with similar properties. This amino acid position is conserved. In addition, the in silico prediction for this alteration is inconclusive. Based on the available evidence, the clinical significance of this variant remains unclear.

Labcorp Genetics (formerly Invitae), Labcorp
Classification: Uncertain significance. Last evaluated: 2023-12-06. Review status: criteria provided, single submitter. Criteria: Invitae Variant Classification Sherloc (09022015). Collection method: clinical testing. Allele origin: germline.
Comment: This sequence change replaces alanine, which is neutral and non-polar, with valine, which is neutral and non-polar, at codon 1229 of the ANKRD26 protein (p.Ala1229Val). This variant is present in population databases (no rsID available, gnomAD 0.0009%). This variant has not been reported in the literature in individuals affected with ANKRD26-related conditions. ClinVar contains an entry for this variant (Variation ID: 930454). An algorithm developed to predict the effect of missense changes on protein structure and function (PolyPhen-2) suggests that this variant is likely to be disruptive. In summary, the available evidence is currently insufficient to determine the role of this variant in disease. Therefore, it has been classified as a Variant of Uncertain Significance.

Centre for Mendelian Genomics, University Medical Centre Ljubljana
Classification: Uncertain significance for Thrombocytopenia 2. Last evaluated: 2019-05-07. Review status: criteria provided, single submitter. Criteria: ACMG Guidelines, 2015. Collection method: clinical testing. Allele origin: unknown. Affected: yes.
Comment: This variant was classified as: Uncertain significance. The available evidence on this variant's pathogenicity is insufficient or conflicting. The following ACMG criteria were applied in classifying this variant: PP3,BP1.

Genetic Services Laboratory, University of Chicago
Classification: Uncertain significance. Last evaluated: 2019-05-06. Review status: criteria provided, single submitter. Criteria: ACMG Guidelines, 2015. Collection method: clinical testing. Allele origin: germline. Affected: no.